The following is an entry in ClinVar:

NM_000565.4(IL6R):c.284C>G (p.Ser95Ter)

Gene: IL6R (interleukin 6 receptor; plus strand). Cytogenetic location: 1q21.3.
Variant type: single nucleotide variant.
Coding change: c.284C>G on transcript NM_000565.4 (MANE Select); coding-DNA position 284, C replaced by G.
Protein change: p.Ser95Ter; replaces serine 95 with a stop codon.
Molecular consequence: nonsense. On other transcripts: intron variant (1).
Genome position (GRCh38, 1-based): chr1:154,429,394, C>G. VCF-style: chr1-154429394-C-G. GRCh37 (hg19) VCF-style: chr1-154401870-C-G.
Other names: c.284C>G, p.Ser95Ter (NM_001206866.2, NM_001382769.1, NM_001382770.1 and 4 more transcripts); c.126+158C>G (NM_001382774.1); short protein forms S95*.
Identifiers: ClinVar variation 3242202 (VCV003242202.1), dbSNP rs2525458035.
Genomic context (GRCh38, chr1:154,429,394, plus strand): 5'-CTGGCATGGGAAGGAGGCTGCTGCTGAGGTCGGTGCAGCTCCACGACTCTGGAAACTATT[C>G]ATGCTACCGGGCCGGCCGCCCAGCTGGGACTGTGCACTTGCTGGTGGATGGTGAGTTGTG-3'

ClinVar aggregate classification (germline): Uncertain significance (1 of 4 stars; one submission).

Conditions:
Hyper-IgE recurrent infection syndrome 5, autosomal recessive. Also called: HYPER-IgE SYNDROME 5, AUTOSOMAL RECESSIVE, WITH RECURRENT INFECTIONS. Identifiers: MedGen C5394550, MONDO:0030069, OMIM 618944.

Submission:

Neuberg Centre For Genomic Medicine, NCGM
Classification: Uncertain significance for Hyper-IgE recurrent infection syndrome 5, autosomal recessive. Review status: criteria provided, single submitter. Criteria: ACMG Guidelines, 2015. Collection method: clinical testing. Allele origin: germline. Inheritance: Autosomal recessive inheritance. Affected: yes.
Comment: The observed stop gained c.284C>G (p.Ser95Ter) variant in IL6R gene has not been reported previously as a pathogenic variant nor as a benign variant, to our knowledge. The c.284C>G variant is absent in gnomAD Exomes. This variant has not been submitted to the ClinVar database. The nucleotide change c.284C>G in IL6R is predicted as conserved by GERP++ and PhyloP across 100 vertebrates. This sequence change creates a premature translational stop signal (p.Ser95Ter) in the IL6R gene. This variant is predicted to cause loss of normal protein function through protein truncation. Loss of function variants have been previously reported to be disease causing. However, limited evidence on termination variant for IL6R gene has been reported and doesn't meet criteria of CLINGEN for loss of function. Hence, additional functional studies will be required to prove the pathogenicity of this variant. For these reasons, this variant has been classified as Variant of Unceratin Significance (VUS).